The following is an entry in ClinVar:

NM_004655.4(AXIN2):c.1731C>G (p.Thr577=)

Gene: AXIN2 (axin 2; minus strand). Cytogenetic location: 17q24.1.
Variant type: single nucleotide variant.
Coding change: c.1731C>G on transcript NM_004655.4 (MANE Select); coding-DNA position 1731, C replaced by G.
Protein change: p.Thr577=; no amino-acid change (threonine 577 retained).
Molecular consequence: synonymous variant. On other transcripts: intron variant (1).
Genome position (GRCh38, 1-based): chr17:65,537,045, G>C on the plus strand (C>G on the coding strand, the complement: AXIN2 is on the minus strand). VCF-style: chr17-65537045-G-C. GRCh37 (hg19) VCF-style: chr17-63533163-G-C.
Other names: c.1712+279C>G (NM_001363813.1).
Identifiers: ClinVar variation 3379153 (VCV003379153.1).

ClinVar aggregate classification (germline): Benign (1 of 4 stars; one submission).

Conditions:
Oligodontia-cancer predisposition syndrome. Also called: TOOTH AGENESIS-COLORECTAL CANCER SYNDROME. Identifiers: Orphanet 300576, MedGen C1837750, MONDO:0012075, OMIM 608615. Disease mechanism: loss of function.

Submission:

Myriad Genetics, Inc.
Classification: Benign for Oligodontia-cancer predisposition syndrome. Last evaluated: 2024-07-08. Review status: criteria provided, single submitter. Criteria: Myriad Autosomal Dominant, Autosomal Recessive and X-Linked Classification Criteria (2023). Collection method: clinical testing. Allele origin: unknown.
Comment: This variant is considered benign. This variant is a silent/synonymous amino acid change and it is not expected to impact splicing.